The following is an entry in ClinVar:

NM_000748.3(CHRNB2):c.1363G>T (p.Ala455Ser)

Gene: CHRNB2 (cholinergic receptor nicotinic beta 2 subunit; plus strand). Cytogenetic location: 1q21.3.
Variant type: single nucleotide variant.
Coding change: c.1363G>T on transcript NM_000748.3 (MANE Select); coding-DNA position 1363, G replaced by T.
Protein change: p.Ala455Ser; replaces alanine 455 with serine.
Molecular consequence: missense variant.
Genome position (GRCh38, 1-based): chr1:154,575,786, G>T. VCF-style: chr1-154575786-G-T. GRCh37 (hg19) VCF-style: chr1-154548262-G-T.
Other names: short protein forms A455S.
Identifiers: ClinVar variation 4536216 (VCV004536216.1).
Genomic context (GRCh38, chr1:154,575,786, plus strand): 5'-CATGTGACCTGGGCCTCCTCCGTCTCCTCCATCCAGGTGAGTGAGGACTGGAAGTACGTC[G>T]CCATGGTGATCGACCGCCTCTTCCTCTGGATCTTTGTCTTTGTCTGTGTCTTTGGCACCA-3'
Protein context (NP_000739.1, residues 445-465): QSVSEDWKYV[Ala455Ser]MVIDRLFLWI

ClinVar aggregate classification (germline): Uncertain significance (1 of 4 stars; one submission).

Submission:

GeneDx
Classification: Uncertain significance. Last evaluated: 2025-06-06. Review status: criteria provided, single submitter. Criteria: GeneDx Variant Classification Process June 2021. Collection method: clinical testing. Allele origin: germline. Affected: yes.
Comment: Not observed at significant frequency in large population cohorts (gnomAD); In silico analysis supports that this missense variant has a deleterious effect on protein structure/function; Has not been previously published as pathogenic or benign to our knowledge